The following is an entry in ClinVar:

ClinVar aggregate classification (germline): Likely benign (1 of 4 stars; one submission).

Submission:

GeneDx
Classification: Likely benign. Last evaluated: 2016-05-05. Review status: criteria provided, single submitter. Criteria: GeneDx Variant Classification (06012015). Collection method: clinical testing. Allele origin: germline. Affected: yes.
Comment: This variant is considered likely benign or benign based on one or more of the following criteria: it is a conservative change, it occurs at a poorly conserved position in the protein, it is predicted to be benign by multiple in silico algorithms, and/or has population frequency not consistent with disease.

NM_000136.3(FANCC):c.166-18T>C

Gene: FANCC (FA complementation group C; minus strand). Cytogenetic location: 9q22.32.
Variant type: single nucleotide variant.
Coding change: c.166-18T>C on transcript NM_000136.3 (MANE Select); 18 bases into the intron before coding-DNA position 166, T replaced by C.
Molecular consequence: intron variant.
Genome position (GRCh38, 1-based): chr9:95,247,534, A>G on the plus strand (T>C on the coding strand, the complement: FANCC is on the minus strand). VCF-style: chr9-95247534-A-G. GRCh37 (hg19) VCF-style: chr9-98009816-A-G.
Other names: c.166-18T>C (NM_001243743.2, NM_001243744.2).
Identifiers: ClinVar variation 385962 (VCV000385962.1), dbSNP rs1057522385, ClinGen allele CA16605903.
Genomic context (GRCh38, chr9:95,247,534, plus strand): 5'-GTTGACCAATTGTGGGGAATCTTTCAATGACTGTATTAGAATCCTGTGAAAGAAAAATAA[A>G]TTTTGGTCAGTAAAGGCATTATGCAACTTAGAAATACTGAACTGACATTATAGATTGAGG-3'